The following is an entry in ClinVar:

ClinVar aggregate classification (germline): Pathogenic (1 of 4 stars; one submission).

Submission:

GeneDx
Classification: Pathogenic. Last evaluated: 2016-07-25. Review status: criteria provided, single submitter. Criteria: GeneDx Variant Classification (06012015). Collection method: clinical testing. Allele origin: germline. Affected: yes.
Comment: The c.2928delC pathogenic variant in the SHANK3 gene causes a frameshift starting with codon Glycine 977, changes this amino acid to an Alanine residue and creates a premature Stop codon at position 101 of the new reading frame, denoted p.G977AfsX101. This variant is predicted to cause loss of normal protein function either through protein truncation or nonsense-mediated mRNA decay. It was not observed in approximately 1,200 individuals of European and African American ancestry in the NHLBI Exome Sequencing Project, indicating it is not a common benign variant in these populations. Additionally, other loss-of-function variants downstream of this position have been reported in the Human Gene Mutation Database in association with SHANK3-related disorders (Stenson et al., 2014).

NM_001372044.2(SHANK3):c.3153del (p.Gly1052fs)

Gene: SHANK3 (SH3 and multiple ankyrin repeat domains 3; plus strand). Cytogenetic location: 22q13.33.
Variant type: Deletion.
Coding change: c.3153del on transcript NM_001372044.2 (MANE Select); coding-DNA position 3153, one base deleted (C; older notation c.3153delC).
Protein change: p.Gly1052fs; shifts the reading frame from glycine 1052.
Molecular consequence: frameshift variant.
Genome position (GRCh38, 1-based): chr22:50,720,761, C deleted; the last of 3 consecutive C bases (chr22:50,720,759-50,720,761); deleting any one gives the same sequence. VCF-style (leftmost placement, unchanged base first): chr22-50720758-TC-T. GRCh37 (hg19) VCF-style: chr22-51159186-TC-T.
Other names: c.2928delC, p.Gly977Alafs (NM_033517.1); short protein forms G1052fs.
Identifiers: ClinVar variation 280713 (VCV000280713.2), dbSNP rs886041869, ClinGen allele CA10603523.
Genomic context (GRCh38, chr22:50,720,758, plus strand): 5'-GAAGCAGCTGCAGGTGGAGGACGCGCAGGAGCGCGCGGCCCTGGCCGTGGGCAGCCCCGG[TC>T]CCGGCGGCGGCAGCTTCGCCCGCGAGCCCTCCCCGACCCACCGCGGTCCGCGCCCGGGTG-3'